The following is an entry in ClinVar:

ClinVar aggregate classification (germline): Pathogenic/Likely pathogenic. Review status: criteria provided, multiple submitters, no conflicts (2 of 4 stars). 3 submissions from 3 submitters: Pathogenic (2); Likely pathogenic (1). Last evaluated 2024-02-06.

Conditions:
Adams-Oliver syndrome 2 (AOS2). Identifiers: Orphanet 974, MedGen C3280182, MONDO:0013635, OMIM 614219.
Adams-Oliver syndrome (AOS). Identifiers: Orphanet 974, MedGen C0265268, MONDO:0007034.

Allele frequency attached by ClinVar (database versions not stated): gnomAD 0.00001; gnomAD exomes 0.00001; ExAC 0.00002; TOPMed 0.00002.
gnomAD v4.1: 10 of 1,613,158 alleles (0.00062%); highest among the groups gnomAD compares: South Asian, 0.0033%; no homozygotes.

Submissions (3):

Labcorp Genetics (formerly Invitae), Labcorp
Classification: Pathogenic. Last evaluated: 2024-02-06. Review status: criteria provided, single submitter. Criteria: Invitae Variant Classification Sherloc (09022015). Collection method: clinical testing. Allele origin: germline.
Comment: This sequence change creates a premature translational stop signal (p.Arg184*) in the DOCK6 gene. It is expected to result in an absent or disrupted protein product. Loss-of-function variants in DOCK6 are known to be pathogenic (PMID: 21820096, 25824905). This variant is present in population databases (rs765129469, gnomAD 0.007%). This premature translational stop signal has been observed in individual(s) with clinical features of DOCK6-related conditions (PMID: 28135719). ClinVar contains an entry for this variant (Variation ID: 1705622). Algorithms developed to predict the effect of sequence changes on RNA splicing suggest that this variant may create or strengthen a splice site. For these reasons, this variant has been classified as Pathogenic.

Department of Pathology and Laboratory Medicine, Sinai Health System
Classification: Likely pathogenic for Adams-Oliver syndrome. Last evaluated: 2023-04-03. Review status: criteria provided, single submitter. Criteria: ACMG Guidelines, 2015. Collection method: research. Allele origin: germline.

3billion
Classification: Pathogenic for Adams-Oliver syndrome 2. Last evaluated: 2022-09-01. Review status: criteria provided, single submitter. Criteria: ACMG Guidelines, 2015. Collection method: clinical testing. Allele origin: germline. Affected: yes. Observed: 1 homozygote.
Comment: The variant is observed at an extremely low frequency in the gnomAD v2.1.1 dataset (total allele frequency: 0.002%). Stop-gained (nonsense) is predicted to result in a loss or disruption of normal protein function through nonsense-mediated decay (NMD) or protein truncation. Multiple pathogenic variants are reported downstream of the variant. Therefore, this variant is classified as pathogenic according to the recommendation of ACMG/AMP guideline.

Literature cited by the submitters: PubMed 21820096 (cited by Labcorp Genetics (formerly Invitae), Labcorp); PubMed 25824905 (cited by Labcorp Genetics (formerly Invitae), Labcorp); PubMed 28135719 (cited by Labcorp Genetics (formerly Invitae), Labcorp).

NM_020812.4(DOCK6):c.550C>T (p.Arg184Ter)

Gene: DOCK6 (dedicator of cytokinesis 6; minus strand). Cytogenetic location: 19p13.2.
Variant type: single nucleotide variant.
Coding change: c.550C>T on transcript NM_020812.4 (MANE Select); coding-DNA position 550, C replaced by T.
Protein change: p.Arg184Ter; replaces arginine 184 with a stop codon.
Molecular consequence: nonsense.
Genome position (GRCh38, 1-based): chr19:11,251,044, G>A on the plus strand (C>T on the coding strand, the complement: DOCK6 is on the minus strand). VCF-style: chr19-11251044-G-A. GRCh37 (hg19) VCF-style: chr19-11361720-G-A.
Other names: c.550C>T, p.Arg184Ter (NM_001367830.1); short protein forms R184*.
Identifiers: ClinVar variation 1705622 (VCV001705622.7), dbSNP rs765129469, ClinGen allele CA9208440.